The following is an entry in ClinVar:

NM_000891.3(KCNJ2):c.608T>C (p.Met203Thr)

Gene: KCNJ2 (potassium inwardly rectifying channel subfamily J member 2; plus strand). Cytogenetic location: 17q24.3.
Variant type: single nucleotide variant.
Coding change: c.608T>C on transcript NM_000891.3 (MANE Select); coding-DNA position 608, T replaced by C.
Protein change: p.Met203Thr; replaces methionine 203 with threonine.
Molecular consequence: missense variant.
Genome position (GRCh38, 1-based): chr17:70,175,647, T>C. VCF-style: chr17-70175647-T-C. GRCh37 (hg19) VCF-style: chr17-68171788-T-C.
Other names: short protein forms M203T.
Identifiers: ClinVar variation 1706136 (VCV001706136.2), dbSNP rs1447067995, ClinGen allele CA400861240.

ClinVar aggregate classification (germline): Uncertain significance (1 of 4 stars; one submission).

Allele frequency attached by ClinVar (database versions not stated): gnomAD exomes below 0.00001.

Submission:

GeneDx
Classification: Uncertain significance. Last evaluated: 2022-03-16. Review status: criteria provided, single submitter. Criteria: GeneDx Variant Classification Process June 2021. Collection method: clinical testing. Allele origin: germline. Affected: yes.
Comment: Not observed at significant frequency in large population cohorts (gnomAD); In silico analysis supports that this missense variant has a deleterious effect on protein structure/function; Has not been previously published as pathogenic or benign to our knowledge